The following is an entry in ClinVar:

NM_024741.3(ZNF408):c.1822C>T (p.Arg608Cys)

Gene: ZNF408 (zinc finger protein 408; plus strand). Cytogenetic location: 11p11.2.
Variant type: single nucleotide variant.
Coding change: c.1822C>T on transcript NM_024741.3 (MANE Select); coding-DNA position 1822, C replaced by T.
Protein change: p.Arg608Cys; replaces arginine 608 with cysteine.
Molecular consequence: missense variant.
Genome position (GRCh38, 1-based): chr11:46,705,522, C>T. VCF-style: chr11-46705522-C-T. GRCh37 (hg19) VCF-style: chr11-46727072-C-T.
Other names: c.1798C>T, p.Arg600Cys (NM_001184751.2); c.1822C>T (NM_024741.2); short protein forms R600C, R608C.
Identifiers: ClinVar variation 1913241 (VCV001913241.6), dbSNP rs760644029, ClinGen allele CA5966648.

ClinVar aggregate classification (germline): Uncertain significance. Review status: criteria provided, multiple submitters, no conflicts (2 of 4 stars). 2 submissions from 2 submitters: Uncertain significance (2). Last evaluated 2025-01-18.

Conditions:
Inborn genetic diseases. Identifiers: MedGen C0950123, MeSH D030342.

Allele frequency attached by ClinVar (database versions not stated): gnomAD 0.00001; gnomAD exomes 0.00001; TOPMed 0.00001; ExAC 0.00002.
gnomAD v4.1: 12 of 1,604,642 alleles (0.00075%); highest among the groups gnomAD compares: South Asian, 0.0033%; no homozygotes.

Submissions (2):

Ambry Genetics
Classification: Uncertain significance for Inborn genetic diseases. Last evaluated: 2025-01-18. Review status: criteria provided, single submitter. Criteria: Ambry Variant Classification Scheme 2023. Collection method: clinical testing. Allele origin: germline.

Labcorp Genetics (formerly Invitae), Labcorp
Classification: Uncertain significance. Last evaluated: 2022-08-08. Review status: criteria provided, single submitter. Criteria: Invitae Variant Classification Sherloc (09022015). Collection method: clinical testing. Allele origin: germline.
Comment: In summary, the available evidence is currently insufficient to determine the role of this variant in disease. Therefore, it has been classified as a Variant of Uncertain Significance. Algorithms developed to predict the effect of missense changes on protein structure and function are either unavailable or do not agree on the potential impact of this missense change (SIFT: "Deleterious"; PolyPhen-2: "Probably Damaging"; Align-GVGD: "Class C0"). This variant has not been reported in the literature in individuals affected with ZNF408-related conditions. This variant is present in population databases (rs760644029, gnomAD 0.007%). This sequence change replaces arginine, which is basic and polar, with cysteine, which is neutral and slightly polar, at codon 608 of the ZNF408 protein (p.Arg608Cys).